The following is an entry in ClinVar:

ClinVar aggregate classification (germline): Uncertain significance. Review status: criteria provided, multiple submitters, no conflicts (2 of 4 stars). 3 submissions from 3 submitters: Uncertain significance (3). Last evaluated 2024-05-13.

Conditions:
Inborn genetic diseases. Identifiers: MedGen C0950123, MeSH D030342.
Dyskeratosis congenita, autosomal dominant 6 (DKCA6). Identifiers: Orphanet 3322, MedGen C4225284, MONDO:0014690, OMIM 616553.

Allele frequency attached by ClinVar (database versions not stated): gnomAD exomes below 0.00001 and 0.00001; gnomAD 0.00002 and 0.00003; TOPMed 0.00004.
gnomAD v4.1: 8 of 1,613,172 alleles (0.0005%); highest among the groups gnomAD compares: African/African-American, 0.011%; 1 homozygote.

Submissions (3):

Labcorp Genetics (formerly Invitae), Labcorp
Classification: Uncertain significance for Dyskeratosis congenita, autosomal dominant 6. Last evaluated: 2024-05-13. Review status: criteria provided, single submitter. Criteria: Invitae Variant Classification Sherloc (09022015). Collection method: clinical testing. Allele origin: germline.
Comment: This sequence change replaces threonine, which is neutral and polar, with serine, which is neutral and polar, at codon 413 of the ACD protein (p.Thr413Ser). This variant is present in population databases (no rsID available, gnomAD 0.01%). This variant has not been reported in the literature in individuals affected with ACD-related conditions. ClinVar contains an entry for this variant (Variation ID: 1336866). Advanced modeling of protein sequence and biophysical properties (such as structural, functional, and spatial information, amino acid conservation, physicochemical variation, residue mobility, and thermodynamic stability) performed at Invitae indicates that this missense variant is not expected to disrupt ACD protein function with a negative predictive value of 80%. In summary, the available evidence is currently insufficient to determine the role of this variant in disease. Therefore, it has been classified as a Variant of Uncertain Significance.

Ambry Genetics
Classification: Uncertain significance for Inborn genetic diseases. Last evaluated: 2024-03-12. Review status: criteria provided, single submitter. Criteria: Ambry Variant Classification Scheme 2023. Collection method: clinical testing. Allele origin: germline.
Comment: The p.T413S variant (also known as c.1238C>G), located in coding exon 10 of the ACD gene, results from a C to G substitution at nucleotide position 1238. The threonine at codon 413 is replaced by serine, an amino acid with similar properties. This amino acid position is conserved. In addition, this alteration is predicted to be tolerated by in silico analysis. Since supporting evidence is limited at this time, the clinical significance of this alteration remains unclear.

Genetic Services Laboratory, University of Chicago
Classification: Uncertain significance. Last evaluated: 2018-09-12. Review status: criteria provided, single submitter. Criteria: ACMG Guidelines, 2015. Collection method: clinical testing. Allele origin: germline. Affected: no.

NM_001082486.2(ACD):c.980C>G (p.Thr327Ser)

Gene: ACD (ACD shelterin complex subunit and telomerase recruitment factor; minus strand). Cytogenetic location: 16q22.1.
Variant type: single nucleotide variant.
Coding change: c.980C>G on transcript NM_001082486.2 (MANE Select); coding-DNA position 980, C replaced by G.
Protein change: p.Thr327Ser; replaces threonine 327 with serine.
Molecular consequence: missense variant.
Genome position (GRCh38, 1-based): chr16:67,658,212, G>C on the plus strand (C>G on the coding strand, the complement: ACD is on the minus strand). VCF-style: chr16-67658212-G-C. GRCh37 (hg19) VCF-style: chr16-67692115-G-C.
Other names: c.971C>G, p.Thr324Ser (NM_022914.3); short protein forms T324S, T327S.
Identifiers: ClinVar variation 1336866 (VCV001336866.13), dbSNP rs1300291520, ClinGen allele CA396352596.